The following is an entry in ClinVar:

NM_001347721.2(DYRK1A):c.467T>G (p.Ile156Arg)

Gene: DYRK1A (dual specificity tyrosine phosphorylation regulated kinase 1A; plus strand). Cytogenetic location: 21q22.13.
Variant type: single nucleotide variant.
Coding change: c.467T>G on transcript NM_001347721.2 (MANE Select); coding-DNA position 467, T replaced by G.
Protein change: p.Ile156Arg; replaces isoleucine 156 with arginine.
Molecular consequence: missense variant.
Genome position (GRCh38, 1-based): chr21:37,480,804, T>G. VCF-style: chr21-37480804-T-G. GRCh37 (hg19) VCF-style: chr21-38853106-T-G.
Other names: c.467T>G, p.Ile156Arg (NM_001347722.2, NM_130436.2); c.380T>G, p.Ile127Arg (NM_001347723.2); c.494T>G, p.Ile165Arg (NM_001396.5, NM_101395.2, NM_130438.2); short protein forms I165R, I127R, I156R.
Identifiers: ClinVar variation 3652993 (VCV003652993.2).

ClinVar aggregate classification (germline): Uncertain significance (1 of 4 stars; one submission).

Conditions:
DYRK1A-related intellectual disability syndrome (MRD7). Also called: Intellectual developmental disorder, autosomal dominant 7; DYRK1A Syndrome. Identifiers: Orphanet 464306, MedGen C5568143, MONDO:0013578, OMIM 614104.

Submission:

Labcorp Genetics (formerly Invitae), Labcorp
Classification: Uncertain significance for DYRK1A-related intellectual disability syndrome. Last evaluated: 2024-05-16. Review status: criteria provided, single submitter. Criteria: Invitae Variant Classification Sherloc (09022015). Collection method: clinical testing. Allele origin: germline.
Comment: This sequence change replaces isoleucine, which is neutral and non-polar, with arginine, which is basic and polar, at codon 165 of the DYRK1A protein (p.Ile165Arg). This variant is not present in population databases (gnomAD no frequency). This variant has not been reported in the literature in individuals affected with DYRK1A-related conditions. Advanced modeling of protein sequence and biophysical properties (such as structural, functional, and spatial information, amino acid conservation, physicochemical variation, residue mobility, and thermodynamic stability) performed at Invitae indicates that this missense variant is expected to disrupt DYRK1A protein function with a positive predictive value of 80%. In summary, the available evidence is currently insufficient to determine the role of this variant in disease. Therefore, it has been classified as a Variant of Uncertain Significance.